The following is an entry in ClinVar:

NM_001164508.2(NEB):c.2998C>T (p.Pro1000Ser)

Gene: NEB (nebulin; minus strand). Cytogenetic location: 2q23.3.
Variant type: single nucleotide variant.
Coding change: c.2998C>T on transcript NM_001164508.2 (MANE Select); coding-DNA position 2998, C replaced by T.
Protein change: p.Pro1000Ser; replaces proline 1000 with serine.
Molecular consequence: missense variant.
Genome position (GRCh38, 1-based): chr2:151,680,774, G>A on the plus strand (C>T on the coding strand, the complement: NEB is on the minus strand). VCF-style: chr2-151680774-G-A. GRCh37 (hg19) VCF-style: chr2-152537288-G-A.
Other names: c.2998C>T, p.Pro1000Ser (NM_001164507.2, NM_001271208.2, NM_004543.5); short protein forms P1000S.
Identifiers: ClinVar variation 642351 (VCV000642351.12), dbSNP rs763910385, ClinGen allele CA1911048.

ClinVar aggregate classification (germline): Conflicting classifications of pathogenicity. Review status: criteria provided, conflicting classifications (1 of 4 stars). 5 submissions from 5 submitters: Uncertain significance (3); Likely benign (1). 1 of the submissions does not count toward it. Last evaluated 2025-04-11.

Conditions:
Nemaline myopathy 2 (NEM2). Also called: Nemaline myopathy 2, autosomal recessive. Identifiers: MedGen C1850569, MONDO:0009725, OMIM 256030.

Allele frequency attached by ClinVar (database versions not stated): TOPMed below 0.00001; ExAC 0.00001; gnomAD 0.00001; gnomAD exomes 0.00001.
gnomAD v4.1: 18 of 1,613,186 alleles (0.0011%); highest among the groups gnomAD compares: Admixed American, 0.0033%; no homozygotes.

Submissions (5):

Labcorp Genetics (formerly Invitae), Labcorp
Classification: Likely benign for Nemaline myopathy 2. Last evaluated: 2025-04-11. Review status: criteria provided, single submitter. Criteria: Invitae Variant Classification Sherloc (09022015). Collection method: clinical testing. Allele origin: germline.

Blueprint Genetics
Classification: Uncertain significance. Last evaluated: 2024-04-17. Review status: criteria provided, single submitter. Criteria: ACMG Guidelines, 2015. Collection method: clinical testing. Allele origin: germline.

Revvity Omics, Revvity
Classification: Uncertain significance. Last evaluated: 2021-06-08. Review status: criteria provided, single submitter. Criteria: ACMG Guidelines, 2015. Collection method: clinical testing. Allele origin: germline.

GeneDx
Classification: Uncertain significance. Last evaluated: 2019-04-22. Review status: criteria provided, single submitter. Criteria: GeneDx Variant Classification Process June 2021. Collection method: clinical testing. Allele origin: germline. Affected: yes.
Comment: Not observed at a significant frequency in large population cohorts (Lek et al., 2016); In silico analysis, which includes protein predictors and evolutionary conservation, supports a deleterious effect; Missense variant in a gene in which most reported pathogenic variants are truncating/loss-of-function; Has not been previously published as pathogenic or benign to our knowledge

Natera, Inc.
Classification: Uncertain significance for Nemaline myopathy type 2. Last evaluated: 2020-01-12. Review status: no assertion criteria provided. Collection method: clinical testing. Allele origin: germline. Not counted in ClinVar's aggregate classification.